The following is an entry in ClinVar:

ClinVar aggregate classification (germline): Pathogenic. Review status: criteria provided, multiple submitters, no conflicts (2 of 4 stars). 4 submissions from 4 submitters: Pathogenic (4). Last evaluated 2025-10-30.

Conditions:
X-linked Alport syndrome (ATS1). Also called: COL4A5-Related Nephropathy; NEPHROPATHY AND DEAFNESS, X-LINKED. Identifiers: Orphanet 63, Orphanet 88917, MedGen C4746986, MONDO:0010520, OMIM 301050.

Submissions (4):

Clinical Genetics Laboratory, Skane University Hospital Lund
Classification: Pathogenic for X-linked Alport syndrome. Last evaluated: 2025-10-30. Review status: criteria provided, single submitter. Criteria: ACMG Guidelines, 2015. Collection method: clinical testing. Allele origin: germline. Inheritance: X-linked dominant inheritance. Affected: yes.
Comment: ACMG criteria: PS4, PM1_strong, PM2 och PP3.

3billion
Classification: Pathogenic for X-linked Alport syndrome. Last evaluated: 2025-07-03. Review status: criteria provided, single submitter. Criteria: ACMG Guidelines, 2015. Collection method: clinical testing. Allele origin: germline. Affected: yes.
Comment: The variant is not observed in the gnomAD v4.1.0 dataset. Predicted Consequence/Location: The variant is located in a mutational hot spot and/or well-established functional domain in which established pathogenic variants have been reported. In silico tool predictions suggest damaging effect of the variant on gene or gene product [REVEL: 0.99 (>=0.6, sensitivity 0.68 and specificity 0.92); 3Cnet: 0.98 (> 0.75, sensitivity 0.96 and precision 0.92)]. The same nucleotide change resulting in the same amino acid change has been previously reported to be associated with COL4A5-related disorder (ClinVar ID: VCV000024355 /PMID: 18616531). The variant has been observed in at least two similarly affected unrelated individuals (PMID: 18616531, 26809805). Different missense changes at the same codon (p.Gly334Asp, p.Gly334Ser) have been reported as pathogenic/likely pathogenic with strong evidence (ClinVar ID: VCV001184578 /PMID: 24304881, 34758253). Therefore, this variant is classified as Likely pathogenic according to the recommendation of ACMG/AMP guideline.

Labcorp Genetics (formerly Invitae), Labcorp
Classification: Pathogenic. Last evaluated: 2021-06-09. Review status: criteria provided, single submitter. Criteria: Invitae Variant Classification Sherloc (09022015). Collection method: clinical testing. Allele origin: germline.
Comment: This variant has been observed in individual(s) with Alport syndrome (PMID: 18616531, 26809805). ClinVar contains an entry for this variant (Variation ID: 24355). For these reasons, this variant has been classified as Pathogenic. Glycine residues within the Gly-Xaa-Yaa repeats of the triple helix domain are required for the structure and stability of fibrillar collagens (PMID: 7695699, 8218237, 19344236). In COL4A5, missense variants at these glycine residues are significantly enriched in individuals with disease (PMID: 23720012, 27627812) compared to the general population (ExAC). This variant is not present in population databases (ExAC no frequency). This sequence change replaces glycine with valine at codon 334 of the COL4A5 protein (p.Gly334Val). The glycine residue is highly conserved and there is a moderate physicochemical difference between glycine and valine.

Clinical Genetics Service, Universitary Hospital 12 de Octubre
Classification: Pathogenic for X-linked Alport syndrome. Review status: criteria provided, single submitter. Criteria: ACMG Guidelines, 2015. Collection method: clinical testing. Allele origin: germline. Affected: yes.

Literature cited by the submitters: PubMed 26809805 (cited by 3billion and Labcorp Genetics (formerly Invitae), Labcorp); PubMed 18616531 (cited by 3billion and Labcorp Genetics (formerly Invitae), Labcorp); PubMed 24304881 (cited by 3billion); PubMed 7695699 (cited by Labcorp Genetics (formerly Invitae), Labcorp); PubMed 8218237 (cited by Labcorp Genetics (formerly Invitae), Labcorp); PubMed 19344236 (cited by Labcorp Genetics (formerly Invitae), Labcorp); PubMed 23720012 (cited by Labcorp Genetics (formerly Invitae), Labcorp); PubMed 27627812 (cited by Labcorp Genetics (formerly Invitae), Labcorp).

NM_033380.3(COL4A5):c.1001G>T (p.Gly334Val)

Gene: COL4A5 (collagen type IV alpha 5 chain; plus strand). Cytogenetic location: Xq22.3.
Variant type: single nucleotide variant.
Coding change: c.1001G>T on transcript NM_033380.3 (MANE Select); coding-DNA position 1001, G replaced by T.
Protein change: p.Gly334Val; replaces glycine 334 with valine.
Molecular consequence: missense variant.
Genome position (GRCh38, 1-based): chrX:108,584,494, G>T. VCF-style: chrX-108584494-G-T. GRCh37 (hg19) VCF-style: chrX-107827724-G-T.
Other names: c.1001G>T, p.Gly334Val (NM_000495.5); short protein forms G334V.
Identifiers: ClinVar variation 24355 (VCV000024355.13), dbSNP rs104886093, ClinGen allele CA258385.